The following is an entry in ClinVar:

ClinVar aggregate classification (germline): Uncertain significance. Review status: criteria provided, multiple submitters, no conflicts (2 of 4 stars). 2 submissions from 2 submitters: Uncertain significance (2). Last evaluated 2025-09-19.

Conditions:
Hereditary cancer-predisposing syndrome. Also called: Tumor predisposition; Neoplastic Syndromes, Hereditary; Hereditary Cancer Syndrome; Hereditary neoplastic syndrome. Identifiers: Orphanet 140162, MedGen C0027672, MeSH D009386, MONDO:0015356.
Ataxia-telangiectasia syndrome (AT). Also called: LOUIS-BAR SYNDROME; Cerebello-oculocutaneous telangiectasia; Immunodeficiency with ataxia telangiectasia; Ataxia telangiectasia (A-T); Ataxia-telangiectasia, complementation group D; AT, COMPLEMENTATION GROUP C. Identifiers: Orphanet 100, MedGen C0004135, MONDO:0008840, OMIM 208900.

Submissions (2):

Ambry Genetics
Classification: Uncertain significance for Hereditary cancer-predisposing syndrome. Last evaluated: 2025-09-19. Review status: criteria provided, single submitter. Criteria: Ambry Variant Classification Scheme 2023. Collection method: clinical testing. Allele origin: germline.
Comment: The p.L2980R variant (also known as c.8939T>G), located in coding exon 61 of the ATM gene, results from a T to G substitution at nucleotide position 8939. The leucine at codon 2980 is replaced by arginine, an amino acid with dissimilar properties. This amino acid position is conserved. In addition, this alteration is predicted to be tolerated by in silico analysis. Based on the available evidence, the clinical significance of this variant remains unclear.

Labcorp Genetics (formerly Invitae), Labcorp
Classification: Uncertain significance for Ataxia-telangiectasia syndrome. Last evaluated: 2023-06-14. Review status: criteria provided, single submitter. Criteria: Invitae Variant Classification Sherloc (09022015). Collection method: clinical testing. Allele origin: germline.
Comment: In summary, the available evidence is currently insufficient to determine the role of this variant in disease. Therefore, it has been classified as a Variant of Uncertain Significance. This sequence change replaces leucine, which is neutral and non-polar, with arginine, which is basic and polar, at codon 2980 of the ATM protein (p.Leu2980Arg). An algorithm developed to predict the effect of missense changes on protein structure and function (PolyPhen-2) suggests that this variant is likely to be disruptive. This variant has not been reported in the literature in individuals affected with ATM-related conditions. This variant is not present in population databases (gnomAD no frequency).

NM_000051.4(ATM):c.8939T>G (p.Leu2980Arg)

Genes: ATM (ATM serine/threonine kinase; plus strand), C11orf65 (chromosome 11 open reading frame 65; minus strand). Cytogenetic location: 11q22.3.
Variant type: single nucleotide variant.
Coding change: c.8939T>G on transcript NM_000051.4 (MANE Select); coding-DNA position 8939, T replaced by G.
Protein change: p.Leu2980Arg; replaces leucine 2980 with arginine.
Molecular consequence: missense variant. On other transcripts: intron variant (2).
Genome position (GRCh38, 1-based): chr11:108,365,170, T>G. VCF-style: chr11-108365170-T-G. GRCh37 (hg19) VCF-style: chr11-108235897-T-G.
Other names: c.8939T>G, p.Leu2980Arg (NM_001351834.2); c.640+20750A>C (NM_001330368.2); c.694+20750A>C (NM_001351110.2); short protein forms L2980R.
Identifiers: ClinVar variation 2714434 (VCV002714434.3), dbSNP rs2137882193, ClinGen allele CA382530105.
Genomic context (GRCh38, chr11:108,365,170, plus strand): 5'-GGACCATGAATCCTTTGAAAGCTTTGTATTTACAGCAGAGGCCGGAAGATGAAACTGAGC[T>G]TCACCCTACTCTGAATGCAGATGACCAAGAATGCAAACGAAATCTCAGGTGAGCAGTATT-3'
Protein context (NP_000042.3, residues 2970-2990): LQQRPEDETE[Leu2980Arg]HPTLNADDQE